The following is an entry in ClinVar:

NM_003052.5(SLC34A1):c.1451G>A (p.Gly484Asp)

Gene: SLC34A1 (solute carrier family 34 member 1; plus strand). Cytogenetic location: 5q35.3.
Variant type: single nucleotide variant.
Coding change: c.1451G>A on transcript NM_003052.5 (MANE Select); coding-DNA position 1451, G replaced by A.
Protein change: p.Gly484Asp; replaces glycine 484 with aspartic acid.
Molecular consequence: missense variant.
Genome position (GRCh38, 1-based): chr5:177,397,817, G>A. VCF-style: chr5-177397817-G-A. GRCh37 (hg19) VCF-style: chr5-176824818-G-A.
Other names: short protein forms G484D.
Identifiers: ClinVar variation 3030061 (VCV003030061.2), dbSNP rs1219041208, ClinGen allele CA362316123.

ClinVar aggregate classification (germline): Uncertain significance (0 of 4 stars; one submission).

Conditions:
SLC34A1-related disorder. Also called: SLC34A1-related condition; SLC34A1-related disorders.

gnomAD v4.1: 1 of 1,612,732 alleles (0.000062%); highest among the groups gnomAD compares: Non-Finnish European, 0.000085%; no homozygotes.

Submission:

PreventionGenetics, part of Exact Sciences
Classification: Uncertain significance for SLC34A1-related condition. Last evaluated: 2024-01-04. Review status: no assertion criteria provided. Collection method: clinical testing. Allele origin: germline.
Comment: The SLC34A1 c.1451G>A variant is predicted to result in the amino acid substitution p.Gly484Asp. To our knowledge, this variant has not been reported in the literature or in a large population database, indicating this variant is rare. At this time, the clinical significance of this variant is uncertain due to the absence of conclusive functional and genetic evidence.